The following is an entry in ClinVar:

NM_002700.3(POU4F3):c.513C>A (p.Ser171Arg)

Genes: POU4F3 (POU class 4 homeobox 3; plus strand), RBM27-POU4F3 (RBM27-POU4F3 readthrough; plus strand). Cytogenetic location: 5q32.
Variant type: single nucleotide variant.
Coding change: c.513C>A on transcript NM_002700.3 (MANE Select); coding-DNA position 513, C replaced by A.
Protein change: p.Ser171Arg; replaces serine 171 with arginine.
Molecular consequence: missense variant.
Genome position (GRCh38, 1-based): chr5:146,339,940, C>A. VCF-style: chr5-146339940-C-A. GRCh37 (hg19) VCF-style: chr5-145719503-C-A.
Other names: short protein forms S171R.
Identifiers: ClinVar variation 504672 (VCV000504672.15), dbSNP rs148985828, ClinGen allele CA3491151.

ClinVar aggregate classification (germline): Uncertain significance. Review status: criteria provided, multiple submitters, no conflicts (2 of 4 stars). 4 submissions from 4 submitters: Uncertain significance (4). Last evaluated 2025-05-26.

Conditions:
Inborn genetic diseases. Identifiers: MedGen C0950123, MeSH D030342.
Autosomal dominant nonsyndromic hearing loss 15 (DFNA15). Also called: DEAFNESS, AUTOSOMAL DOMINANT 52; Autosomal dominant nonsyndromic hearing loss 52. Identifiers: Orphanet 90635, MedGen C1865366, MONDO:0011226, OMIM 602459.

Allele frequency attached by ClinVar (database versions not stated): TOPMed 0.00010; gnomAD 0.00016; ESP Exome Variant Server 0.00031.

Submissions (4):

Ambry Genetics
Classification: Uncertain significance for Inborn genetic diseases. Last evaluated: 2025-05-26. Review status: criteria provided, single submitter. Criteria: Ambry Variant Classification Scheme 2023. Collection method: clinical testing. Allele origin: germline.

Labcorp Genetics (formerly Invitae), Labcorp
Classification: Uncertain significance. Last evaluated: 2024-08-31. Review status: criteria provided, single submitter. Criteria: Invitae Variant Classification Sherloc (09022015). Collection method: clinical testing. Allele origin: germline.
Comment: This sequence change replaces serine, which is neutral and polar, with arginine, which is basic and polar, at codon 171 of the POU4F3 protein (p.Ser171Arg). This variant is present in population databases (rs148985828, gnomAD 0.02%). This variant has not been reported in the literature in individuals affected with POU4F3-related conditions. ClinVar contains an entry for this variant (Variation ID: 504672). Invitae Evidence Modeling of protein sequence and biophysical properties (such as structural, functional, and spatial information, amino acid conservation, physicochemical variation, residue mobility, and thermodynamic stability) indicates that this missense variant is not expected to disrupt POU4F3 protein function with a negative predictive value of 80%. In summary, the available evidence is currently insufficient to determine the role of this variant in disease. Therefore, it has been classified as a Variant of Uncertain Significance.

Fulgent Genetics
Classification: Uncertain significance for Autosomal dominant nonsyndromic hearing loss 15. Last evaluated: 2021-07-26. Review status: criteria provided, single submitter. Criteria: ACMG Guidelines, 2015. Collection method: clinical testing. Allele origin: unknown.

Laboratory for Molecular Medicine, Mass General Brigham Personalized Medicine
Classification: Uncertain significance. Last evaluated: 2016-08-04. Review status: criteria provided, single submitter. Criteria: LMM Criteria. Collection method: clinical testing. Allele origin: germline. Observed: 1 variant allele.
Comment: The p.Ser171Arg variant in POU4F3 has not been previously reported in individual s with hearing loss, but has been identified in 13/65634 European chromosomes by the Exome Aggregation Consortium (ExAC; dbSNP r s148985828). Although this variant has been seen in the general population, its frequency is not high enough to rule out a pathogenic role. Computational predic tion tools and conservation analyses do not provide strong support for or agains t an impact to the protein. In summary, the clinical significance of this varian t is uncertain.